The following is an entry in ClinVar:

NM_001372.4(DNAH9):c.11521G>A (p.Glu3841Lys)

Gene: DNAH9 (dynein axonemal heavy chain 9; plus strand). Cytogenetic location: 17p12.
Variant type: single nucleotide variant.
Coding change: c.11521G>A on transcript NM_001372.4 (MANE Select); coding-DNA position 11521, G replaced by A.
Protein change: p.Glu3841Lys; replaces glutamic acid 3841 with lysine.
Molecular consequence: missense variant.
Genome position (GRCh38, 1-based): chr17:11,902,833, G>A. VCF-style: chr17-11902833-G-A. GRCh37 (hg19) VCF-style: chr17-11806150-G-A.
Other names: c.457G>A, p.Glu153Lys (NM_004662.2); short protein forms E3841K, E153K.
Identifiers: ClinVar variation 3705915 (VCV003705915.2).

ClinVar aggregate classification (germline): Uncertain significance (1 of 4 stars; one submission).

Submission:

Labcorp Genetics (formerly Invitae), Labcorp
Classification: Uncertain significance. Last evaluated: 2024-09-09. Review status: criteria provided, single submitter. Criteria: Invitae Variant Classification Sherloc (09022015). Collection method: clinical testing. Allele origin: germline.
Comment: This sequence change replaces glutamic acid, which is acidic and polar, with lysine, which is basic and polar, at codon 3841 of the DNAH9 protein (p.Glu3841Lys). This variant is not present in population databases (gnomAD no frequency). This variant has not been reported in the literature in individuals affected with DNAH9-related conditions. Invitae Evidence Modeling of protein sequence and biophysical properties (such as structural, functional, and spatial information, amino acid conservation, physicochemical variation, residue mobility, and thermodynamic stability) indicates that this missense variant is not expected to disrupt DNAH9 protein function with a negative predictive value of 80%. In summary, the available evidence is currently insufficient to determine the role of this variant in disease. Therefore, it has been classified as a Variant of Uncertain Significance.